The following is an entry in ClinVar:

ClinVar aggregate classification (germline): Uncertain significance (1 of 4 stars; one submission).

Conditions:
Cardiovascular phenotype. Identifiers: MedGen CN230736.

gnomAD v4.1: 1 of 1,614,184 alleles (0.000062%); highest among the groups gnomAD compares: South Asian, 0.0011%; no homozygotes.

Submission:

Ambry Genetics
Classification: Uncertain significance for Cardiovascular phenotype. Last evaluated: 2025-05-15. Review status: criteria provided, single submitter. Criteria: Ambry Variant Classification Scheme 2023. Collection method: clinical testing. Allele origin: germline.
Comment: The p.M956L variant (also known as c.2866A>C), located in coding exon 19 of the VCL gene, results from an A to C substitution at nucleotide position 2866. The methionine at codon 956 is replaced by leucine, an amino acid with highly similar properties. This amino acid position is conserved. In addition, this alteration is predicted to be tolerated by in silico analysis. Based on the available evidence, the clinical significance of this variant remains unclear.

NM_014000.3(VCL):c.2866A>C (p.Met956Leu)

Gene: VCL (vinculin; plus strand). Cytogenetic location: 10q22.2.
Variant type: single nucleotide variant.
Coding change: c.2866A>C on transcript NM_014000.3 (MANE Select); coding-DNA position 2866, A replaced by C.
Protein change: p.Met956Leu; replaces methionine 956 with leucine.
Molecular consequence: missense variant. On other transcripts: intron variant (1).
Genome position (GRCh38, 1-based): chr10:74,112,029, A>C. VCF-style: chr10-74112029-A-C. GRCh37 (hg19) VCF-style: chr10-75871787-A-C.
Other names: c.2746-2155A>C (NM_003373.4); short protein forms M956L.
Identifiers: ClinVar variation 3979540 (VCV003979540.1).